The following is an entry in ClinVar:

NM_001184880.2(PCDH19):c.840C>G (p.Tyr280Ter)

Gene: PCDH19 (protocadherin 19; minus strand). Cytogenetic location: Xq22.1.
Variant type: single nucleotide variant.
Coding change: c.840C>G on transcript NM_001184880.2 (MANE Select); coding-DNA position 840, C replaced by G.
Protein change: p.Tyr280Ter; replaces tyrosine 280 with a stop codon.
Molecular consequence: nonsense.
Genome position (GRCh38, 1-based): chrX:100,407,758, G>C on the plus strand (C>G on the coding strand, the complement: PCDH19 is on the minus strand). VCF-style: chrX-100407758-G-C. GRCh37 (hg19) VCF-style: chrX-99662756-G-C.
Other names: c.840C>G, p.Tyr280Ter (NM_001105243.2, NM_020766.3); short protein forms Y280*.
Identifiers: ClinVar variation 3338822 (VCV003338822.1).

ClinVar aggregate classification (germline): Pathogenic (1 of 4 stars; one submission).

Submission:

GeneDx
Classification: Pathogenic. Last evaluated: 2023-06-22. Review status: criteria provided, single submitter. Criteria: GeneDx Variant Classification Process June 2021. Collection method: clinical testing. Allele origin: germline. Affected: yes.
Comment: Nonsense variant predicted to result in protein truncation or nonsense mediated decay in a gene for which loss of function is a known mechanism of disease; Not observed at significant frequency in large population cohorts (gnomAD); This variant is associated with the following publications: (PMID: 32425876, 30582250, 28669061, 22267240, 22050978)